The following is an entry in ClinVar:

ClinVar aggregate classification (germline): Conflicting classifications of pathogenicity. Review status: criteria provided, conflicting classifications (1 of 4 stars). 5 submissions from 5 submitters: Uncertain significance (1); Likely benign (3). 1 of the submissions does not count toward it. Last evaluated 2025-11-03.

Conditions:
Cardiomyopathy (CMYO). Also called: Cardiomyopathies. Identifiers: Orphanet 167848, MedGen C0878544, MONDO:0004994, HP:0001638. Inheritance: Various modes of inheritance.
Duchenne muscular dystrophy (DMD). Also called: MUSCULAR DYSTROPHY, PSEUDOHYPERTROPHIC PROGRESSIVE, DUCHENNE TYPE; Duchenne Muscular Dystrophy (DMD). Identifiers: Orphanet 98896, MedGen C0013264, MONDO:0010679, OMIM 310200.
Becker muscular dystrophy (BMD). Also called: Becker Muscular Dystrophy (BMD); MUSCULAR DYSTROPHY, PSEUDOHYPERTROPHIC PROGRESSIVE, BECKER TYPE. Identifiers: Orphanet 98895, MedGen C0917713, MONDO:0010311, OMIM 300376.
Dystrophin deficiency.
Cardiovascular phenotype. Identifiers: MedGen CN230736.

Allele frequency attached by ClinVar (database versions not stated): TOPMed 0.00001; ESP Exome Variant Server 0.00009.
gnomAD v4.1: 10 of 1,207,092 alleles (0.00083%); highest among the groups gnomAD compares: Non-Finnish European, 0.001%; no homozygotes.

Submissions (5):

Labcorp Genetics (formerly Invitae), Labcorp
Classification: Likely benign for Duchenne muscular dystrophy. Last evaluated: 2025-11-03. Review status: criteria provided, single submitter. Criteria: Invitae Variant Classification Sherloc (09022015). Collection method: clinical testing. Allele origin: germline.

Ambry Genetics
Classification: Likely benign for Cardiovascular phenotype. Last evaluated: 2022-08-03. Review status: criteria provided, single submitter. Criteria: Ambry Variant Classification Scheme 2023. Collection method: clinical testing. Allele origin: germline.

GeneDx
Classification: Likely benign. Last evaluated: 2018-03-12. Review status: criteria provided, single submitter. Criteria: GeneDx Variant Classification (06012015). Collection method: clinical testing. Allele origin: germline. Affected: yes.
Comment: This variant is considered likely benign or benign based on one or more of the following criteria: it is a conservative change, it occurs at a poorly conserved position in the protein, it is predicted to be benign by multiple in silico algorithms, and/or has population frequency not consistent with disease.

Eurofins Ntd Llc (ga)
Classification: Uncertain significance. Last evaluated: 2014-12-11. Review status: criteria provided, single submitter. Criteria: EGL Classification Definitions 2015. Collection method: clinical testing. Allele origin: germline. Observed: 1 variant allele, 1 heterozygote.

Natera, Inc.
Classification: Likely benign for Becker muscular dystrophy; Cardiomyopathy; Duchenne muscular dystrophy; Dystrophin deficiency. Last evaluated: 2019-07-16. Review status: no assertion criteria provided. Collection method: clinical testing. Allele origin: germline. Not counted in ClinVar's aggregate classification.

NM_004006.3(DMD):c.3696A>C (p.Ala1232=)

Gene: DMD (dystrophin; minus strand). Cytogenetic location: Xp21.1.
Variant type: single nucleotide variant.
Coding change: c.3696A>C on transcript NM_004006.3 (MANE Select); coding-DNA position 3696, A replaced by C.
Protein change: p.Ala1232=; no amino-acid change (alanine 1232 retained).
Molecular consequence: synonymous variant.
Genome position (GRCh38, 1-based): chrX:32,448,546, T>G on the plus strand (A>C on the coding strand, the complement: DMD is on the minus strand). VCF-style: chrX-32448546-T-G. GRCh37 (hg19) VCF-style: chrX-32466663-T-G.
Other names: c.3672A>C, p.Ala1224= (NM_000109.4); c.3684A>C, p.Ala1228= (NM_004009.3); c.3327A>C, p.Ala1109= (NM_004010.3).
Identifiers: ClinVar variation 196024 (VCV000196024.16), dbSNP rs369971712, ClinGen allele CA242774.